The following is an entry in ClinVar:

NM_000321.3(RB1):c.1333C>T (p.Arg445Ter)

Gene: RB1 (RB transcriptional corepressor 1; plus strand). Cytogenetic location: 13q14.2.
Variant type: single nucleotide variant.
Coding change: c.1333C>T on transcript NM_000321.3 (MANE Select); coding-DNA position 1333, C replaced by T.
Protein change: p.Arg445Ter; replaces arginine 445 with a stop codon.
Molecular consequence: nonsense.
Genome position (GRCh38, 1-based): chr13:48,379,594, C>T. VCF-style: chr13-48379594-C-T. GRCh37 (hg19) VCF-style: chr13-48953730-C-T.
Other names: L11910:g.76430C>T; short protein forms R445*.
Identifiers: ClinVar variation 13071 (VCV000013071.22), dbSNP rs3092891, ClinGen allele CA026371.

ClinVar aggregate classification (germline): Pathogenic. Review status: criteria provided, multiple submitters, no conflicts (2 of 4 stars). 9 submissions from 9 submitters: Pathogenic (8). 1 of the submissions does not count toward it. Last evaluated 2026-05-29.

Conditions:
Hereditary retinoblastoma. Identifiers: Orphanet 357027, MedGen C0751483, MONDO:0018160.
Hereditary cancer-predisposing syndrome. Also called: Neoplastic Syndromes, Hereditary; Tumor predisposition; Hereditary Cancer Syndrome; Hereditary neoplastic syndrome. Identifiers: Orphanet 140162, MedGen C0027672, MeSH D009386, MONDO:0015356.
Small cell lung carcinoma. Also called: Lung oat cell carcinoma; SMALL CELL CANCER OF THE LUNG, SOMATIC; Small cell lung cancer. Identifiers: Orphanet 70573, MedGen C0149925, MeSH D055752, MONDO:0008433, OMIM 182280, HP:0030357.
Retinoblastoma (RB1). Also called: RETINOBLASTOMA, SOMATIC. Identifiers: Orphanet 790, MedGen C0035335, MeSH D012175, MONDO:0008380, OMIM 180200, HP:0009919. Disease mechanism: loss of function. Inheritance: Both sporadic and heritable forms are tested..
Malignant tumor of urinary bladder. Also called: Urinary Bladder Neoplasms; Bladder cancer; Urinary bladder cancer. Identifiers: MedGen C0005684, MONDO:0001187, OMIM 109800.
Bone osteosarcoma. Also called: Osteosarcoma, somatic. Identifiers: Orphanet 668, MedGen C0585442, MONDO:0002629, OMIM 259500.

Allele frequency attached by ClinVar (database versions not stated): gnomAD exomes below 0.00001.

Submissions (9):

Diller/Parad Lab, Dana-Farber/Harvard Cancer Center
Classification: Pathogenic for Retinoblastoma. Last evaluated: 2026-05-29. Review status: criteria provided, single submitter. Criteria: ACMG Guidelines, 2015. Collection method: research. Allele origin: germline. Affected: yes. Observed: 3 variant alleles.
Comment: It has been classified as Pathogenic using Richards et al (PMID:25741868) based on the following evidence codes: PM2, PVS1, PP5.

Labcorp Genetics (formerly Invitae), Labcorp
Classification: Pathogenic for Retinoblastoma. Last evaluated: 2025-12-24. Review status: criteria provided, single submitter. Criteria: Invitae Variant Classification Sherloc (09022015). Collection method: clinical testing. Allele origin: germline.
Comment: This sequence change creates a premature translational stop signal (p.Arg445*) in the RB1 gene. It is expected to result in an absent or disrupted protein product. Loss-of-function variants in RB1 are known to be pathogenic (PMID: 17096365). This variant is present in population databases (rs3092891, gnomAD 0.0009%). This premature translational stop signal has been observed in individual(s) with retinoblastoma (PMID: 2594029, 20447117, 22328814, 22963398, 26787237). Invitae Evidence Modeling of clinical and family history, age, sex, and reported ancestry of multiple individuals with this RB1 variant has been performed. This variant is expected to be pathogenic with a positive predictive value of at least 99%. This is a validated machine learning model that incorporates the clinical features of 413,071 individuals referred to our laboratory for RB1 testing. ClinVar contains an entry for this variant (Variation ID: 13071). For these reasons, this variant has been classified as Pathogenic.

Ramesar Group, Division of Human Genetics, Institute of Infectious Diseases and Molecular Medicine, UCT/MRC Genomic and Precision Medicine Research Unit, University of Cape Town
Classification: Pathogenic for Hereditary retinoblastoma. Last evaluated: 2025-09-17. Review status: criteria provided, single submitter. Criteria: ACMG Guidelines, 2015. Collection method: research. Allele origin: germline. Affected: yes. Observed: 2 variant alleles.
Comment: PVS1: Null variant (nonsense) in a gene (RB1) where LOF is a known mechanism of disease PM2: Absent from gnomAD and ExAC PP4: Patient 1 presents with unilateral retinoblastoma and patient 2 presents with bilateral retinoblastoma PP5: Reported as pathogenic in ClinVar and the LOVD

Ambry Genetics
Classification: Pathogenic for Hereditary cancer-predisposing syndrome. Last evaluated: 2024-09-25. Review status: criteria provided, single submitter. Criteria: Ambry Variant Classification Scheme 2023. Collection method: clinical testing. Allele origin: germline.
Comment: The p.R445* pathogenic mutation (also known as c.1333C>T), located in coding exon 14 of the RB1 gene, results from a C to T substitution at nucleotide position 1333. This changes the amino acid from an arginine to a stop codon within coding exon 14. This mutation has been detected in multiple individuals with retinoblastoma (Yandell DW et al. N. Engl. J. Med., 1989 Dec;321:1689-95; Richter S et al. Am J Hum Genet, 2003 Feb;72:253-69; Abouzeid H et al. Mol. Vis., 2007 Sep;13:1740-5; Dommering CJ et al. Fam Cancer, 2012 Jun;11:225-33; Seo SH et al. Clin Genet, 2013 May;83:494-6; He MY et al. Mol Vis, 2014 Apr;20:545-52; Dommering CJ et al. J Med Genet, 2014 Jun;51:366-74; Niederst MJ et al. Nat Commun, 2015 Mar;6:6377; Sagi M et al. Fam Cancer, 2015 Sep;14:471-80; Zhang J et al. N Engl J Med, 2015 Dec;373:2336-2346; Meric-Bernstam F et al. Ann Oncol, 2016 05;27:795-800; Singh J et al. Mol Vis, 2016 Aug;22:1036-47; Shahraki K et al. Eye (Lond), 2017 Apr;31:620-627; Tomar S et al. PLoS ONE, 2017 Jun;12:e0178776; Parma D et al. PLoS ONE, 2017 Dec;12:e0189736; Chaussade A et al. Eur J Med Genet, 2019 Mar;62:217-223; Lan X et al. Front Genet, 2020 Mar;11:142; Gupta H et al. BMC Med Genomics, 2021 Jul;14:188). Of note, this alteration is also designated as 1462C>T in published literature. In addition to the clinical data presented in the literature, this alteration is expected to result in loss of function by premature protein truncation or nonsense-mediated mRNA decay. As such, this alteration is interpreted as a disease-causing mutation.

Genetic Diagnostic Laboratory, University of Pennsylvania School of Medicine
Classification: Pathogenic for Retinoblastoma. Last evaluated: 2024-05-20. Review status: criteria provided, single submitter. Criteria: ACMG Guidelines, 2015. Collection method: clinical testing. Allele origin: germline. Affected: yes. Observed: 14 variant alleles.
Comment: Case and Pedigree Information: BILATERAL CASES:9, UNILATERAL CASES:5, TOTAL CASES:14, PEDIGREES:14. ACMG Codes Applied:PVS1, PM2, PS4M

GeneDx
Classification: Pathogenic. Last evaluated: 2022-06-29. Review status: criteria provided, single submitter. Criteria: GeneDx Variant Classification Process June 2021. Collection method: clinical testing. Allele origin: germline. Affected: yes.
Comment: Nonsense variant predicted to result in protein truncation or nonsense mediated decay in a gene for which loss of function is a known mechanism of disease; Not observed at significant frequency in large population cohorts (gnomAD); This variant is associated with the following publications: (PMID: 25525159, 29261756, 34190019, 22328814, 26787237, 34294096, 2594029)

Fulgent Genetics
Classification: Pathogenic for Malignant tumor of urinary bladder; Retinoblastoma; Small cell lung carcinoma; Bone osteosarcoma. Last evaluated: 2021-12-22. Review status: criteria provided, single submitter. Criteria: ACMG Guidelines, 2015. Collection method: clinical testing. Allele origin: unknown.

St. Jude Molecular Pathology, St. Jude Children's Research Hospital
Classification: Pathogenic for Retinoblastoma. Last evaluated: 2016-06-17. Review status: criteria provided, single submitter. Criteria: ACMG Guidelines, 2015. Collection method: clinical testing. Allele origin: germline. Affected: yes.
Comment: This is a nonsense alteration in which a C is replaced by a T at coding position 1333 and is predicted to change an Arginine at codon 445 to a premature stop codon.

OMIM
Classification: Pathogenic for RETINOBLASTOMA. Last evaluated: 1989-12-21. Review status: no assertion criteria provided. Collection method: literature only. Allele origin: germline. Not counted in ClinVar's aggregate classification.

Literature cited by the submitters: PubMed 17096365 (cited by Labcorp Genetics (formerly Invitae), Labcorp); PubMed 2594029 (cited by 3 submitters); PubMed 20447117 (cited by Labcorp Genetics (formerly Invitae), Labcorp); PubMed 22328814 (cited by Labcorp Genetics (formerly Invitae), Labcorp and Ambry Genetics); PubMed 22963398 (cited by Labcorp Genetics (formerly Invitae), Labcorp and Ambry Genetics); PubMed 26787237 (cited by Labcorp Genetics (formerly Invitae), Labcorp and Ambry Genetics); PubMed 12541220 (cited by Ambry Genetics); PubMed 17960112 (cited by Ambry Genetics); PubMed 22205104 (cited by Ambry Genetics); PubMed 24688104 (cited by Ambry Genetics); PubMed 24791139 (cited by Ambry Genetics); PubMed 25754945 (cited by Ambry Genetics); PubMed 25758528 (cited by Ambry Genetics); PubMed 26580448 (cited by Ambry Genetics); PubMed 27582626 (cited by Ambry Genetics); PubMed 27983729 (cited by Ambry Genetics); PubMed 28575107 (cited by Ambry Genetics); PubMed 29261756 (cited by Ambry Genetics); PubMed 30031154 (cited by Ambry Genetics); PubMed 32218800 (cited by Ambry Genetics); PubMed 34294096 (cited by Ambry Genetics).